The following is an entry in ClinVar:

NM_001372.4(DNAH9):c.4697C>T (p.Thr1566Ile)

Gene: DNAH9 (dynein axonemal heavy chain 9; plus strand). Cytogenetic location: 17p12.
Variant type: single nucleotide variant.
Coding change: c.4697C>T on transcript NM_001372.4 (MANE Select); coding-DNA position 4697, C replaced by T.
Protein change: p.Thr1566Ile; replaces threonine 1566 with isoleucine.
Molecular consequence: missense variant.
Genome position (GRCh38, 1-based): chr17:11,693,950, C>T. VCF-style: chr17-11693950-C-T. GRCh37 (hg19) VCF-style: chr17-11597267-C-T.
Other names: short protein forms T1566I.
Identifiers: ClinVar variation 2843633 (VCV002843633.3), dbSNP rs2544422807, ClinGen allele CA398188474.

ClinVar aggregate classification (germline): Uncertain significance (1 of 4 stars; one submission).

Submission:

Labcorp Genetics (formerly Invitae), Labcorp
Classification: Uncertain significance. Last evaluated: 2023-03-08. Review status: criteria provided, single submitter. Criteria: Invitae Variant Classification Sherloc (09022015). Collection method: clinical testing. Allele origin: germline.
Comment: This sequence change replaces threonine, which is neutral and polar, with isoleucine, which is neutral and non-polar, at codon 1566 of the DNAH9 protein (p.Thr1566Ile). This variant is not present in population databases (gnomAD no frequency). This variant has not been reported in the literature in individuals affected with DNAH9-related conditions. Advanced modeling of protein sequence and biophysical properties (such as structural, functional, and spatial information, amino acid conservation, physicochemical variation, residue mobility, and thermodynamic stability) has been performed at Invitae for this missense variant, however the output from this modeling did not meet the statistical confidence thresholds required to predict the impact of this variant on DNAH9 protein function. In summary, the available evidence is currently insufficient to determine the role of this variant in disease. Therefore, it has been classified as a Variant of Uncertain Significance.